The following is an entry in ClinVar:

NM_006005.3(WFS1):c.1153G>C (p.Glu385Gln)

Gene: WFS1 (wolframin ER transmembrane glycoprotein; plus strand). Cytogenetic location: 4p16.1.
Variant type: single nucleotide variant.
Coding change: c.1153G>C on transcript NM_006005.3 (MANE Select); coding-DNA position 1153, G replaced by C.
Protein change: p.Glu385Gln; replaces glutamic acid 385 with glutamine.
Molecular consequence: missense variant.
Genome position (GRCh38, 1-based): chr4:6,300,948, G>C. VCF-style: chr4-6300948-G-C. GRCh37 (hg19) VCF-style: chr4-6302675-G-C.
Other names: c.1153G>C, p.Glu385Gln (NM_001145853.1); short protein forms E385Q.
Identifiers: ClinVar variation 2080981 (VCV002080981.6), dbSNP rs71524353, ClinGen allele CA356174352.
Genomic context (GRCh38, chr4:6,300,948, plus strand): 5'-TTCCAGGACAGCAAGGCCTGGGAGAACTTCCGCACCCTCACCGACCTGCTGCTGCGCTTC[G>C]AGCCCAACCTGGATGTGGAGCAGGCCGAGGTCAACTTCGGCTGGAACCACCTGGAGCCCT-3'
Protein context (NP_005996.2, residues 375-395): RTLTDLLLRF[Glu385Gln]PNLDVEQAEV

ClinVar aggregate classification (germline): Uncertain significance. Review status: criteria provided, multiple submitters, no conflicts (2 of 4 stars). 3 submissions from 3 submitters: Uncertain significance (3). Last evaluated 2024-05-21.

Conditions:
Wolfram-like syndrome. Also called: HEARING LOSS, PROGRESSIVE, WITH OPTIC ATROPHY AND/OR IMPAIRED GLUCOSE REGULATION. Identifiers: Orphanet 411590, MedGen C3280358, MONDO:0013673, OMIM 614296.
Autosomal dominant nonsyndromic hearing loss 6 (LFSNHL). Also called: DEAFNESS, AUTOSOMAL DOMINANT 6; DEAFNESS, AUTOSOMAL DOMINANT 14; DEAFNESS, AUTOSOMAL DOMINANT 38; Autosomal dominant nonsyndromic deafness 6. Identifiers: Orphanet 90635, MedGen C1833021, MONDO:0010963, OMIM 600965.
Type 2 diabetes mellitus. Also called: Type II diabetes mellitus. Identifiers: MedGen C0011860, MeSH D003924, MONDO:0005148, OMIM 125853, HP:0005978.
Wolfram syndrome 1 (WFS1). Identifiers: Orphanet 3463, MedGen C4551693, MONDO:0009101, OMIM 222300.
Cataract 41 (CTRCT41). Also called: CATARACT 41, CONGENITAL NUCLEAR TYPE. Identifiers: Orphanet 91492, Orphanet 98991, Orphanet 98992, Orphanet 98995, MedGen C3805412, MONDO:0007287, OMIM 116400.

gnomAD v4.1: 4 of 1,613,944 alleles (0.00025%); highest among the groups gnomAD compares: Non-Finnish European, 0.00034%; no homozygotes.

Submissions (4):

Fulgent Genetics
Classification: Uncertain significance for Cataract 41; Type 2 diabetes mellitus; Wolfram syndrome 1; Autosomal dominant nonsyndromic hearing loss 6; Wolfram-like syndrome. Last evaluated: 2024-05-21. Review status: criteria provided, single submitter. Criteria: ACMG Guidelines, 2015. Collection method: clinical testing. Allele origin: germline.

Labcorp Genetics (formerly Invitae), Labcorp
Classification: Uncertain significance. Last evaluated: 2024-03-25. Review status: criteria provided, single submitter. Criteria: Invitae Variant Classification Sherloc (09022015). Collection method: clinical testing. Allele origin: germline.
Comment: This sequence change replaces glutamic acid, which is acidic and polar, with glutamine, which is neutral and polar, at codon 385 of the WFS1 protein (p.Glu385Gln). This variant is not present in population databases (gnomAD no frequency). This variant has not been reported in the literature in individuals affected with WFS1-related conditions. ClinVar contains an entry for this variant (Variation ID: 2080981). Advanced modeling of protein sequence and biophysical properties (such as structural, functional, and spatial information, amino acid conservation, physicochemical variation, residue mobility, and thermodynamic stability) has been performed at Invitae for this missense variant, however the output from this modeling did not meet the statistical confidence thresholds required to predict the impact of this variant on WFS1 protein function. In summary, the available evidence is currently insufficient to determine the role of this variant in disease. Therefore, it has been classified as a Variant of Uncertain Significance.

Department of Pathology and Laboratory Medicine, Sinai Health System
Classification: Uncertain significance for Cataract 41; Type 2 diabetes mellitus; Wolfram syndrome 1; Autosomal dominant nonsyndromic hearing loss 6; Wolfram-like syndrome. Last evaluated: 2022-11-17. Review status: criteria provided, single submitter. Criteria: ACMG Guidelines, 2015. Collection method: research. Allele origin: germline.

Dr. Peter K. Rogan Lab, Western University
No classification provided (evidence only). Condition: Nonpapillary renal cell carcinoma. Review status: no classification provided. Collection method: in vitro. Allele origin: not applicable. Functional consequence: retained intron. Not counted in ClinVar's aggregate classification.